The following is an entry in ClinVar:

NM_022051.3(EGLN1):c.-18GCC[4]

Gene: EGLN1 (egl-9 family hypoxia inducible factor 1; minus strand). Cytogenetic location: 1q42.2.
Variant type: Microsatellite.
Coding change: c.-18GCC[4] on transcript NM_022051.3 (MANE Select); four copies in a row of the 3-base unit GCC starting at c.-18; the reference has six copies in a row; two copies, 6 bases deleted.
Molecular consequence: 5 prime UTR variant.
Genome position (GRCh38, 1-based): chr1:231,421,889-231,421,894, GGCGGC deleted on the plus strand (GCCGCC on the coding strand, the reverse complement: EGLN1 is on the minus strand); deleting any 6 consecutive bases within chr1:231,421,889-231,421,907 gives the same sequence; the position shown is the placement nearest the transcript's 3' end. VCF-style (leftmost placement, unchanged base first): chr1-231421888-TGGCGGC-T. GRCh37 (hg19) VCF-style: chr1-231557634-TGGCGGC-T.
Other names: c.-18GCC[4] (NM_001377260.1, NM_001377261.1); c.-6_-1del6 (NM_022051.2).
Identifiers: ClinVar variation 1751020 (VCV001751020.4), dbSNP rs574288484, ClinGen allele CA1453220.

ClinVar aggregate classification (germline): Likely benign. Review status: criteria provided, single submitter (1 of 4 stars). 2 submissions from 2 submitters: Likely benign (1). 1 of the submissions does not count toward it. Last evaluated 2020-11-19.

Conditions:
EGLN1-related disorder. Also called: EGLN1-related condition.

Submissions (2):

Ambry Genetics
Classification: Likely benign. Last evaluated: 2020-11-19. Review status: criteria provided, single submitter. Criteria: Ambry Variant Classification Scheme 2023. Collection method: clinical testing. Allele origin: germline.

PreventionGenetics, part of Exact Sciences
Classification: Likely benign for EGLN1-related condition. Last evaluated: 2019-10-31. Review status: no assertion criteria provided. Collection method: clinical testing. Allele origin: germline. Not counted in ClinVar's aggregate classification.
Comment: This variant is classified as likely benign based on ACMG/AMP sequence variant interpretation guidelines (Richards et al. 2015 PMID: 25741868, with internal and published modifications).